The following is an entry in ClinVar:

NM_012062.5(DNM1L):c.693G>C (p.Met231Ile)

Gene: DNM1L (dynamin 1 like; plus strand). Cytogenetic location: 12p11.21.
Variant type: single nucleotide variant.
Coding change: c.693G>C on transcript NM_012062.5 (MANE Select); coding-DNA position 693, G replaced by C.
Protein change: p.Met231Ile; replaces methionine 231 with isoleucine.
Molecular consequence: missense variant. On other transcripts: intron variant (1).
Genome position (GRCh38, 1-based): chr12:32,718,716, G>C. VCF-style: chr12-32718716-G-C. GRCh37 (hg19) VCF-style: chr12-32871650-G-C.
Other names: c.693G>C, p.Met231Ile (NM_001278463.2, NM_005690.5, NM_012063.4); c.732G>C, p.Met244Ile (NM_001278464.2, NM_001278465.2, NM_001330380.2); c.132-1948G>C (NM_001278466.2); short protein forms M244I, M231I.
Identifiers: ClinVar variation 2727436 (VCV002727436.3), dbSNP rs745793670, ClinGen allele CA235246190.

ClinVar aggregate classification (germline): Uncertain significance (1 of 4 stars; one submission).

Allele frequency attached by ClinVar (database versions not stated): gnomAD exomes below 0.00001; TOPMed below 0.00001.
gnomAD v4.1: 3 of 1,613,866 alleles (0.00019%); highest among the groups gnomAD compares: Non-Finnish European, 0.00017%; no homozygotes.

Submission:

Labcorp Genetics (formerly Invitae), Labcorp
Classification: Uncertain significance. Last evaluated: 2024-03-01. Review status: criteria provided, single submitter. Criteria: Invitae Variant Classification Sherloc (09022015). Collection method: clinical testing. Allele origin: germline.
Comment: This sequence change replaces methionine, which is neutral and non-polar, with isoleucine, which is neutral and non-polar, at codon 231 of the DNM1L protein (p.Met231Ile). This variant is present in population databases (no rsID available, gnomAD 0.007%). This variant has not been reported in the literature in individuals affected with DNM1L-related conditions. An algorithm developed to predict the effect of missense changes on protein structure and function (PolyPhen-2) suggests that this variant is likely to be tolerated. In summary, the available evidence is currently insufficient to determine the role of this variant in disease. Therefore, it has been classified as a Variant of Uncertain Significance.